The following is an entry in ClinVar:

ClinVar aggregate classification (germline): Uncertain significance (1 of 4 stars; one submission).

Submission:

Labcorp Genetics (formerly Invitae), Labcorp
Classification: Uncertain significance. Last evaluated: 2022-10-07. Review status: criteria provided, single submitter. Criteria: Invitae Variant Classification Sherloc (09022015). Collection method: clinical testing. Allele origin: germline.
Comment: This sequence change falls in intron 24 of the PROM1 gene. It does not directly change the encoded amino acid sequence of the PROM1 protein. It affects a nucleotide within the consensus splice site. This variant is not present in population databases (gnomAD no frequency). This variant has not been reported in the literature in individuals affected with PROM1-related conditions. Variants that disrupt the consensus splice site are a relatively common cause of aberrant splicing (PMID: 17576681, 9536098). Algorithms developed to predict the effect of sequence changes on RNA splicing suggest that this variant may disrupt the consensus splice site. In summary, the available evidence is currently insufficient to determine the role of this variant in disease. Therefore, it has been classified as a Variant of Uncertain Significance.

Literature cited by the submitters: PubMed 17576681; PubMed 9536098.

NM_006017.3(PROM1):c.2513+4A>C

Gene: PROM1 (prominin 1; minus strand). Cytogenetic location: 4p15.32.
Variant type: single nucleotide variant.
Coding change: c.2513+4A>C on transcript NM_006017.3 (MANE Select); 4 bases into the intron after coding-DNA position 2513, A replaced by C.
Molecular consequence: intron variant.
Genome position (GRCh38, 1-based): chr4:15,979,877, T>G on the plus strand (A>C on the coding strand, the complement: PROM1 is on the minus strand). VCF-style: chr4-15979877-T-G. GRCh37 (hg19) VCF-style: chr4-15981500-T-G.
Other names: c.2486+4A>C (NM_001145848.2, NM_001145847.2, NM_001371406.1 and 1 more transcripts); c.2462+545A>C (NM_001145852.2, NM_001371408.1, NM_001371407.1); c.2489+545A>C (NM_001145850.2); c.2513+4A>C (NM_001145849.2).
Identifiers: ClinVar variation 2034610 (VCV002034610.4), dbSNP rs2474864275, ClinGen allele CA2580070877.
Genomic context (GRCh38, chr4:15,979,877, plus strand): 5'-ATTACATAATAATATCAACCTCCCCCATCCCATCTAGGAATATAGTTTTTTTAAAAAGGC[T>G]TACTTTTTCATGGGTATAGTTTCAACACTATAAAATACAAAAAAGGGAGATAAAATTAAT-3'